The following is an entry in ClinVar:

NM_001267550.2(TTN):c.64972+15del

Genes: TTN (titin; minus strand), TTN-AS1 (TTN antisense RNA 1; plus strand). Cytogenetic location: 2q31.2.
Variant type: Deletion.
Coding change: c.64972+15del on transcript NM_001267550.2 (MANE Select); 15 bases into the intron after coding-DNA position 64972, one base deleted (A; older notation c.64972+15delA).
Molecular consequence: intron variant. On other transcripts: non-coding transcript variant (1).
Genome position (GRCh38, 1-based): chr2:178,584,654, T deleted on the plus strand (A on the coding strand, the reverse complement: TTN is on the minus strand); the first of 2 consecutive T bases (chr2:178,584,654-178,584,655); deleting either gives the same sequence. VCF-style (leftmost placement, unchanged base first): chr2-178584653-CT-C. GRCh37 (hg19) VCF-style: chr2-179449380-CT-C.
Other names: c.60049+15delA (NM_001256850.1); c.37777+15del (NM_003319.4); c.38353+15del (NM_133437.4); c.38152+15del (NM_133432.3); c.57268+15del (NM_133378.4); c.60049+15del (NM_001256850.1).
Identifiers: ClinVar variation 681175 (VCV000681175.6), dbSNP rs878936145, ClinGen allele CA60962108.
Genomic context (GRCh38, chr2:178,584,653, plus strand): 5'-AAGGAAGATGTCAGTTTCTACATTAAGTAACAAACTAGAAAGAAAACAACTTTTTTTCTC[CT>C]TCACAAAAACATACCAAATGGGAACTGCGCAACCATCTTTGGAGATGTGAGAGGCTCTGA-3'

ClinVar aggregate classification (germline): Likely benign. Review status: criteria provided, multiple submitters, no conflicts (2 of 4 stars). 2 submissions from 2 submitters: Likely benign (2). Last evaluated 2025-12-20.

Conditions:
Dilated cardiomyopathy 1G (CMD1G). Identifiers: Orphanet 154, MedGen C1858763, MONDO:0011400, OMIM 604145.
Autosomal recessive limb-girdle muscular dystrophy type 2J (LGMDR10). Also called: MUSCULAR DYSTROPHY, LIMB-GIRDLE, AUTOSOMAL RECESSIVE 10; Limb-girdle muscular dystrophy, type 2J. Identifiers: Orphanet 140922, MedGen C1837342, MONDO:0012127, OMIM 608807.

Submissions (2):

Labcorp Genetics (formerly Invitae), Labcorp
Classification: Likely benign for Dilated cardiomyopathy 1G; Autosomal recessive limb-girdle muscular dystrophy type 2J. Last evaluated: 2025-12-20. Review status: criteria provided, single submitter. Criteria: Invitae Variant Classification Sherloc (09022015). Collection method: clinical testing. Allele origin: germline.

GeneDx
Classification: Likely benign. Last evaluated: 2018-03-21. Review status: criteria provided, single submitter. Criteria: GeneDx Variant Classification (06012015). Collection method: clinical testing. Allele origin: germline. Affected: yes.
Comment: This variant is considered likely benign or benign based on one or more of the following criteria: it is a conservative change, it occurs at a poorly conserved position in the protein, it is predicted to be benign by multiple in silico algorithms, and/or has population frequency not consistent with disease.